The following is an entry in ClinVar:

ClinVar aggregate classification (germline): Likely benign. Review status: criteria provided, multiple submitters, no conflicts (2 of 4 stars). 3 submissions from 3 submitters: Likely benign (2). 1 of the submissions does not count toward it. Last evaluated 2025-06-12.

Conditions:
IFT172-related disorder. Also called: IFT172-related condition; IFT172-related disorders.
Retinitis pigmentosa 71 (RP71). Identifiers: Orphanet 791, MedGen C4225342, MONDO:0014618, OMIM 616394.
Short-rib thoracic dysplasia 10 with or without polydactyly (SRTD10). Identifiers: Orphanet 474, MedGen C3810175, MONDO:0014284, OMIM 615630.

Allele frequency attached by ClinVar (database versions not stated): TOPMed 0.00001; gnomAD 0.00003; gnomAD exomes 0.00004 and 0.00010; ESP Exome Variant Server 0.00008; ExAC 0.00010; 1000 Genomes Project 30x 0.00016; 1000 Genomes Project 0.00020.

Submissions (3):

Labcorp Genetics (formerly Invitae), Labcorp
Classification: Likely benign for Retinitis pigmentosa 71; Short-rib thoracic dysplasia 10 with or without polydactyly. Last evaluated: 2025-06-12. Review status: criteria provided, single submitter. Criteria: Invitae Variant Classification Sherloc (09022015). Collection method: clinical testing. Allele origin: germline.

Blueprint Genetics
Classification: Likely benign. Last evaluated: 2023-11-06. Review status: criteria provided, single submitter. Criteria: ACMG Guidelines, 2015. Collection method: clinical testing. Allele origin: germline.

PreventionGenetics, part of Exact Sciences
Classification: Likely benign for IFT172-related condition. Last evaluated: 2021-07-20. Review status: no assertion criteria provided. Collection method: clinical testing. Allele origin: germline. Not counted in ClinVar's aggregate classification.
Comment: This variant is classified as likely benign based on ACMG/AMP sequence variant interpretation guidelines (Richards et al. 2015 PMID: 25741868, with internal and published modifications).

NM_015662.3(IFT172):c.3426C>T (p.Pro1142=)

Gene: IFT172 (intraflagellar transport 172; minus strand). Cytogenetic location: 2p23.3.
Variant type: single nucleotide variant.
Coding change: c.3426C>T on transcript NM_015662.3 (MANE Select); coding-DNA position 3426, C replaced by T.
Protein change: p.Pro1142=; no amino-acid change (proline 1142 retained).
Molecular consequence: synonymous variant.
Genome position (GRCh38, 1-based): chr2:27,454,606, G>A on the plus strand (C>T on the coding strand, the complement: IFT172 is on the minus strand). VCF-style: chr2-27454606-G-A. GRCh37 (hg19) VCF-style: chr2-27677473-G-A.
Other names: c.3426C>T (NM_015662.2).
Identifiers: ClinVar variation 1100196 (VCV001100196.12), dbSNP rs369463180, ClinGen allele CA1579990.